The following is an entry in ClinVar:

NM_000478.6(ALPL):c.881A>G (p.Asp294Gly)

Gene: ALPL (alkaline phosphatase, biomineralization associated; plus strand). Cytogenetic location: 1p36.12.
Variant type: single nucleotide variant.
Coding change: c.881A>G on transcript NM_000478.6 (MANE Select); coding-DNA position 881, A replaced by G.
Protein change: p.Asp294Gly; replaces aspartic acid 294 with glycine.
Molecular consequence: missense variant.
Genome position (GRCh38, 1-based): chr1:21,573,683, A>G. VCF-style: chr1-21573683-A-G. GRCh37 (hg19) VCF-style: chr1-21900176-A-G.
Other names: c.716A>G, p.Asp239Gly (NM_001127501.4); c.650A>G, p.Asp217Gly (NM_001177520.3); c.881A>G, p.Asp294Gly (NM_001369803.2, NM_001369804.2, NM_001369805.2); short protein forms D217G, D294G, D239G.
Identifiers: ClinVar variation 2800155 (VCV002800155.3), dbSNP rs121918002, ClinGen allele CA338880198.

ClinVar aggregate classification (germline): Likely pathogenic (1 of 4 stars; one submission).

Submission:

Labcorp Genetics (formerly Invitae), Labcorp
Classification: Likely pathogenic. Last evaluated: 2023-11-30. Review status: criteria provided, single submitter. Criteria: Invitae Variant Classification Sherloc (09022015). Collection method: clinical testing. Allele origin: germline.
Comment: This sequence change replaces aspartic acid, which is acidic and polar, with glycine, which is neutral and non-polar, at codon 294 of the ALPL protein (p.Asp294Gly). This variant is not present in population databases (gnomAD no frequency). This missense change has been observed in individual(s) with clinical features of hypophosphatasia (Invitae). Advanced modeling of protein sequence and biophysical properties (such as structural, functional, and spatial information, amino acid conservation, physicochemical variation, residue mobility, and thermodynamic stability) performed at Invitae indicates that this missense variant is expected to disrupt ALPL protein function with a positive predictive value of 95%. This variant disrupts the p.Asp294 amino acid residue in ALPL. Other variant(s) that disrupt this residue have been determined to be pathogenic (PMID: 10839996, 22397652, 25731960). This suggests that this residue is clinically significant, and that variants that disrupt this residue are likely to be disease-causing. In summary, the currently available evidence indicates that the variant is pathogenic, but additional data are needed to prove that conclusively. Therefore, this variant has been classified as Likely Pathogenic.

Literature cited by the submitters: PubMed 10839996; PubMed 22397652; PubMed 25731960.